The following is an entry in ClinVar:

NM_004782.4(SNAP29):c.20G>A (p.Ser7Asn)

Gene: SNAP29 (synaptosome associated protein 29; plus strand). Cytogenetic location: 22q11.21.
Variant type: single nucleotide variant.
Coding change: c.20G>A on transcript NM_004782.4 (MANE Select); coding-DNA position 20, G replaced by A.
Protein change: p.Ser7Asn; replaces serine 7 with asparagine.
Molecular consequence: missense variant.
Genome position (GRCh38, 1-based): chr22:20,859,130, G>A. VCF-style: chr22-20859130-G-A. GRCh37 (hg19) VCF-style: chr22-21213418-G-A.
Other names: short protein forms S7N.
Identifiers: ClinVar variation 2117730 (VCV002117730.1), dbSNP rs1210981514, ClinGen allele CA410772114.

ClinVar aggregate classification (germline): Uncertain significance (1 of 4 stars; one submission).

Allele frequency attached by ClinVar (database versions not stated): TOPMed below 0.00001; gnomAD 0.00001.
gnomAD v4.1: 8 of 1,607,840 alleles (0.0005%); highest among the groups gnomAD compares: African/African-American, 0.0013%; 1 homozygote.

Submission:

Labcorp Genetics (formerly Invitae), Labcorp
Classification: Uncertain significance. Last evaluated: 2022-07-15. Review status: criteria provided, single submitter. Criteria: Invitae Variant Classification Sherloc (09022015). Collection method: clinical testing. Allele origin: germline.
Comment: This sequence change replaces serine, which is neutral and polar, with asparagine, which is neutral and polar, at codon 7 of the SNAP29 protein (p.Ser7Asn). This variant is present in population databases (no rsID available, gnomAD 0.001%). This variant has not been reported in the literature in individuals affected with SNAP29-related conditions. Algorithms developed to predict the effect of missense changes on protein structure and function output the following: SIFT: "Tolerated"; PolyPhen-2: "Benign"; Align-GVGD: "Class C0". The asparagine amino acid residue is found in multiple mammalian species, which suggests that this missense change does not adversely affect protein function. In summary, the available evidence is currently insufficient to determine the role of this variant in disease. Therefore, it has been classified as a Variant of Uncertain Significance.